The following is an entry in ClinVar:

ClinVar aggregate classification (germline): Uncertain significance (1 of 4 stars; one submission).

Submission:

Labcorp Genetics (formerly Invitae), Labcorp
Classification: Uncertain significance. Last evaluated: 2025-12-31. Review status: criteria provided, single submitter. Criteria: Invitae Variant Classification Sherloc (09022015). Collection method: clinical testing. Allele origin: germline.
Comment: This sequence change replaces arginine, which is basic and polar, with glutamine, which is neutral and polar, at codon 822 of the VAV1 protein (p.Arg822Gln). This variant is present in population databases (no rsID available, gnomAD 0.004%). This variant has not been reported in the literature in individuals affected with VAV1-related conditions. An algorithm developed to predict the effect of missense changes on protein structure and function (PolyPhen-2) suggests that this variant is likely to be disruptive. Experimental studies have shown that this missense change affects VAV1 function (PMID: 34617326). In summary, the available evidence is currently insufficient to determine the role of this variant in disease. Therefore, it has been classified as a Variant of Uncertain Significance.

Literature cited by the submitters: PubMed 34617326.

NM_005428.4(VAV1):c.2465G>A (p.Arg822Gln)

Gene: VAV1 (vav guanine nucleotide exchange factor 1; plus strand). Cytogenetic location: 19p13.3.
Variant type: single nucleotide variant.
Coding change: c.2465G>A on transcript NM_005428.4 (MANE Select); coding-DNA position 2465, G replaced by A.
Protein change: p.Arg822Gln; replaces arginine 822 with glutamine.
Molecular consequence: missense variant.
Genome position (GRCh38, 1-based): chr19:6,854,079, G>A. VCF-style: chr19-6854079-G-A. GRCh37 (hg19) VCF-style: chr19-6854090-G-A.
Other names: c.2399G>A, p.Arg800Gln (NM_001258206.2); c.2369G>A, p.Arg790Gln (NM_001258207.2); short protein forms R800Q, R822Q, R790Q.
Identifiers: ClinVar variation 4746966 (VCV004746966.1).